The following is an entry in ClinVar:

ClinVar aggregate classification (germline): Uncertain significance (1 of 4 stars; one submission).

Conditions:
Developmental and epileptic encephalopathy, 30 (DEE30). Also called: Epileptic encephalopathy, early infantile, 30. Identifiers: MedGen C4225360, MONDO:0014595, OMIM 616341.

Submission:

Labcorp Genetics (formerly Invitae), Labcorp
Classification: Uncertain significance for Developmental and epileptic encephalopathy, 30. Last evaluated: 2024-05-29. Review status: criteria provided, single submitter. Criteria: Invitae Variant Classification Sherloc (09022015). Collection method: clinical testing. Allele origin: germline.
Comment: This sequence change replaces valine, which is neutral and non-polar, with leucine, which is neutral and non-polar, at codon 551 of the SIK1 protein (p.Val551Leu). This variant is present in population databases (rs751692045, gnomAD 0.02%). This variant has not been reported in the literature in individuals affected with SIK1-related conditions. Advanced modeling of protein sequence and biophysical properties (such as structural, functional, and spatial information, amino acid conservation, physicochemical variation, residue mobility, and thermodynamic stability) performed at Invitae indicates that this missense variant is not expected to disrupt SIK1 protein function with a negative predictive value of 95%. In summary, the available evidence is currently insufficient to determine the role of this variant in disease. Therefore, it has been classified as a Variant of Uncertain Significance.

NM_173354.5(SIK1):c.1651G>C (p.Val551Leu)

Gene: SIK1 (salt inducible kinase 1; minus strand). Cytogenetic location: 21q22.3.
Variant type: single nucleotide variant.
Coding change: c.1651G>C on transcript NM_173354.5 (MANE Select); coding-DNA position 1651, G replaced by C.
Protein change: p.Val551Leu; replaces valine 551 with leucine.
Molecular consequence: missense variant.
Genome position (GRCh38, 1-based): chr21:43,418,353, C>G on the plus strand (G>C on the coding strand, the complement: SIK1 is on the minus strand). VCF-style: chr21-43418353-C-G. GRCh37 (hg19) VCF-style: chr21-44838233-C-G.
Other names: short protein forms V551L.
Identifiers: ClinVar variation 3608736 (VCV003608736.2).